The following is an entry in ClinVar:

ClinVar aggregate classification (germline): Likely pathogenic (1 of 4 stars; one submission).

Conditions:
Atrial septal defect 2 (ASD2). Identifiers: Orphanet 1478, MedGen C1842778, MONDO:0011938, OMIM 607941.

Submission:

Victorian Clinical Genetics Services, Murdoch Childrens Research Institute
Classification: Likely pathogenic for Atrial septal defect 2. Last evaluated: 2023-07-16. Review status: criteria provided, single submitter. Criteria: ACMG Guidelines, 2015. Collection method: clinical testing. Allele origin: germline. Inheritance: Autosomal dominant inheritance. Affected: yes.
Comment: Based on the classification scheme VCGS_Germline_v1.3.4, this variant is classified as Likely pathogenic. Following criteria are met: 0102 - Loss of function is a known mechanism of disease in this gene and is associated with Atrial septal defect 2 (MIM#607941), Atrioventricular septal defect 4 (MIM#614430), Tetralogy of Fallot (MIM#187500), and Ventricular septal defect 1 (MIM#614429). (I) 0107 - This gene is associated with autosomal dominant disease. (I) 0112 - The condition associated with this gene has incomplete penetrance (PMID:20347099). (I) 0115 - Variants in this gene are known to have variable expressivity (PMID:20347099). (I) 0213 - In-frame deletion insertion in a non-repetitive region that has high conservation. (SP) 0251 - This variant is heterozygous. (I) 0301 - Variant is absent from gnomAD (both v2 and v3). (SP) 0601 - Variant is located in the well-established functional Zinc finger binding domain (NCBI). The Arg284 was demonstrated to affect DNA binding of GATA4 (PMID: 17548362). (SP) 0705 - No comparable in-frame deletion insertion variants have previous evidence for pathogenicity. However, a missense variant (p.(Arg284His)) has been reported as likely pathogenic and de novo in an individual with atrial septal defect (ClinVar). (I) 0807 - This variant has no previous evidence of pathogenicity. (I) 0905 - No published segregation evidence has been identified for this variant. (I) 1007 - No published functional evidence has been identified for this variant. (I) Legend: (SP) - Supporting pathogenic, (I) - Information, (SB) - Supporting benign

Literature cited by the submitters: PubMed 17548362; PubMed 20347099.

NM_001308093.3(GATA4):c.854_856del (p.Arg285_Asn286delinsHis)

Gene: GATA4 (GATA binding protein 4). Cytogenetic location: 8p23.1.
Variant type: Deletion.
Coding change: c.854_856del on transcript NM_001308093.3 (MANE Select); coding-DNA positions 854 to 856, 3 bases deleted.
Protein change: p.Arg285_Asn286delinsHis.
Molecular consequence: inframe indel. On other transcripts: intron variant (1).
Genome position: GRCh38 VCF-style: chr8-11750177-CGCA-C. GRCh37 (hg19) VCF-style: chr8-11607686-CGCA-C.
Other names: c.233_235del, p.Arg78_Asn79delinsHis (NM_001308094.2, NM_001374273.1); c.851_853del, p.Arg284_Asn285delinsHis (NM_002052.5); c.165+1093_165+1095del (NM_001374274.1).
Identifiers: ClinVar variation 1805431 (VCV001805431.2), dbSNP rs2486974873, ClinGen allele CA2573102939.
Genomic context (GRCh38, chr8:11,750,177, plus strand): 5'-TCCCGCCGAGTGGGCCTCTCCTGTGCCAACTGCCAGACCACCACCACCACGCTGTGGCGC[CGCA>C]ATGCGGAGGGCGAGCCTGTGTGCAATGCCTGCGGCCTCTACATGAAGCTCCACGGGGTAC-3'